The following is an entry in ClinVar:

NM_000505.4(F12):c.713G>T (p.Cys238Phe)

Gene: F12 (coagulation factor XII; minus strand). Cytogenetic location: 5q35.3.
Variant type: single nucleotide variant.
Coding change: c.713G>T on transcript NM_000505.4 (MANE Select); coding-DNA position 713, G replaced by T.
Protein change: p.Cys238Phe; replaces cysteine 238 with phenylalanine.
Molecular consequence: missense variant.
Genome position (GRCh38, 1-based): chr5:177,404,586, C>A on the plus strand (G>T on the coding strand, the complement: F12 is on the minus strand). VCF-style: chr5-177404586-C-A. GRCh37 (hg19) VCF-style: chr5-176831587-C-A.
Other names: short protein forms C238F.
Identifiers: ClinVar variation 5017948 (VCV005017948.1).
Genomic context (GRCh38, chr5:177,404,586, plus strand): 5'-CAGTTCCGCGCTTGCTCGGCAGTCACGTTCCGGTAGGTGGCCTCCGAGGCCCACGGCTGA[C>A]AGGGCGCACCCGAGAGCGTGGTCCTGGCCAGGCCGCGGTAGCTGAGCCCGCGGCCATCAT-3'
Protein context (NP_000496.2, residues 228-248): LARTTLSGAP[Cys238Phe]QPWASEATYR

ClinVar aggregate classification (germline): Uncertain significance (1 of 4 stars; one submission).

gnomAD v4.1: 2 of 1,608,500 alleles (0.00012%); highest among the groups gnomAD compares: Non-Finnish European, 0.00017%; no homozygotes.

Submission:

GeneDx
Classification: Uncertain significance. Last evaluated: 2026-04-08. Review status: criteria provided, single submitter. Criteria: GeneDx Variant Classification Process June 2021. Collection method: clinical testing. Allele origin: germline.
Comment: Not observed at significant frequency in large population cohorts (gnomAD); In silico analysis supports that this missense variant has a deleterious effect on protein structure/function; Has not been previously published as pathogenic or benign to our knowledge